The following is an entry in ClinVar:

NM_000719.7(CACNA1C):c.4398+249A>G

Gene: CACNA1C (calcium voltage-gated channel subunit alpha1 C; plus strand). Cytogenetic location: 12p13.33.
Variant type: single nucleotide variant.
Coding change: c.4398+249A>G on transcript NM_000719.7 (MANE Select); 249 bases into the intron after coding-DNA position 4398, A replaced by G.
Molecular consequence: intron variant.
Genome position (GRCh38, 1-based): chr12:2,665,239, A>G. VCF-style: chr12-2665239-A-G. GRCh37 (hg19) VCF-style: chr12-2774405-A-G.
Other names: c.4398+249A>G (NM_001167624.3, NM_001167623.2, NM_001129840.2 and 7 more transcripts); c.4365+249A>G (NM_001167625.2, NM_001129837.2, NM_001129838.2 and 1 more transcripts); c.4542+249A>G (NM_199460.4, NM_001129827.2); c.4458+249A>G (NM_001129832.2); c.4482+249A>G (NM_001129831.2); c.4464+249A>G (NM_001129829.2); c.4359+249A>G (NM_001129839.2); c.4449+249A>G (NM_001129836.2); and 1 more.
Identifiers: ClinVar variation 679439 (VCV000679439.1), dbSNP rs115860457, ClinGen allele CA231598248.

ClinVar aggregate classification (germline): Benign (1 of 4 stars; one submission).

Allele frequency attached by ClinVar (database versions not stated): gnomAD 0.01619 and 0.01739; TOPMed 0.01782; 1000 Genomes Project 0.02037; 1000 Genomes Project 30x 0.02092.
gnomAD v4.1: 2,444 of 152,300 alleles (1.6%); highest among the groups gnomAD compares: African/African-American, 5.7%; 89 homozygotes.

Submission:

GeneDx
Classification: Benign. Last evaluated: 2018-06-14. Review status: criteria provided, single submitter. Criteria: GeneDx Variant Classification (06012015). Collection method: clinical testing. Allele origin: germline. Affected: yes.
Comment: This variant is considered likely benign or benign based on one or more of the following criteria: it is a conservative change, it occurs at a poorly conserved position in the protein, it is predicted to be benign by multiple in silico algorithms, and/or has population frequency not consistent with disease.